The following is an entry in ClinVar:

ClinVar aggregate classification (germline): Uncertain significance. Review status: criteria provided, multiple submitters, no conflicts (2 of 4 stars). 3 submissions from 3 submitters: Uncertain significance (3). Last evaluated 2025-11-14.

Conditions:
Hereditary cancer-predisposing syndrome. Also called: Hereditary Cancer Syndrome; Tumor predisposition; Hereditary neoplastic syndrome; Neoplastic Syndromes, Hereditary. Identifiers: Orphanet 140162, MedGen C0027672, MeSH D009386, MONDO:0015356.
Rhabdoid tumor predisposition syndrome 2 (RTPS2). Identifiers: Orphanet 231108, Orphanet 69077, MedGen C2750074, MONDO:0013224, OMIM 613325.

Allele frequency attached by ClinVar (database versions not stated): gnomAD exomes below 0.00001.
gnomAD v4.1: 1 of 1,611,100 alleles (0.000062%); highest among the groups gnomAD compares: Non-Finnish European, 0.000085%; no homozygotes.

Submissions (3):

Ambry Genetics
Classification: Uncertain significance for Hereditary cancer-predisposing syndrome. Last evaluated: 2025-11-14. Review status: criteria provided, single submitter. Criteria: Ambry Variant Classification Scheme 2023. Collection method: clinical testing. Allele origin: germline.
Comment: The p.P269L variant (also known as c.806C>T), located in coding exon 4 of the SMARCA4 gene, results from a C to T substitution at nucleotide position 806. The proline at codon 269 is replaced by leucine, an amino acid with similar properties. This amino acid position is highly conserved in available vertebrate species. In addition, the in silico prediction for this alteration is inconclusive. Missense and in-frame variants in SMARCA4 are known to cause neurodevelopmental disorders; however, such associations with rhabdoid tumor predisposition syndrome including small cell carcinoma of the ovary-hypercalcemic type (SCCOHT) are exceedingly rare (Kosho T et al. Am J Med Genet C Semin Med Genet. 2014 Sep;166C(3):262-75; Jelinic P et al. Nat Genet. 2014 May;46(5):424-6). Based on the supporting evidence, the association of this alteration with Coffin-Siris syndrome is unknown; however, the association of this alteration with rhabdoid tumor predisposition syndrome is unlikely.

Baylor Genetics
Classification: Uncertain significance for Rhabdoid tumor predisposition syndrome 2. Last evaluated: 2024-02-11. Review status: criteria provided, single submitter. Criteria: ACMG Guidelines, 2015. Collection method: clinical testing. Allele origin: unknown.

Labcorp Genetics (formerly Invitae), Labcorp
Classification: Uncertain significance for Rhabdoid tumor predisposition syndrome 2. Last evaluated: 2020-12-20. Review status: criteria provided, single submitter. Criteria: Invitae Variant Classification Sherloc (09022015). Collection method: clinical testing. Allele origin: germline.
Comment: This sequence change replaces proline with leucine at codon 269 of the SMARCA4 protein (p.Pro269Leu). The proline residue is highly conserved and there is a moderate physicochemical difference between proline and leucine. This variant is not present in population databases (ExAC no frequency). This variant has not been reported in the literature in individuals with SMARCA4-related conditions. Algorithms developed to predict the effect of missense changes on protein structure and function are either unavailable or do not agree on the potential impact of this missense change (SIFT: "Deleterious"; PolyPhen-2: "Benign"; Align-GVGD: "Class C65"). In summary, the available evidence is currently insufficient to determine the role of this variant in disease. Therefore, it has been classified as a Variant of Uncertain Significance.

NM_003072.5(SMARCA4):c.806C>T (p.Pro269Leu)

Gene: SMARCA4 (SWI/SNF related BAF chromatin remodeling complex subunit ATPase 4; plus strand). Cytogenetic location: 19p13.2.
Variant type: single nucleotide variant.
Coding change: c.806C>T on transcript NM_003072.5 (MANE Select); coding-DNA position 806, C replaced by T.
Protein change: p.Pro269Leu; replaces proline 269 with leucine.
Molecular consequence: missense variant. On other transcripts: non-coding transcript variant (1).
Genome position (GRCh38, 1-based): chr19:10,986,950, C>T. VCF-style: chr19-10986950-C-T. GRCh37 (hg19) VCF-style: chr19-11097626-C-T.
Other names: c.806C>T, p.Pro269Leu (NM_001128844.3, NM_001128845.2, NM_001128846.2 and 5 more transcripts); short protein forms P269L.
Identifiers: ClinVar variation 1416121 (VCV001416121.12), dbSNP rs2145796622, ClinGen allele CA404057999.